The following is an entry in ClinVar:

NM_002386.4(MC1R):c.69G>C (p.Gln23His)

Gene: MC1R (melanocortin 1 receptor; plus strand). Cytogenetic location: 16q24.3.
Variant type: single nucleotide variant.
Coding change: c.69G>C on transcript NM_002386.4 (MANE Select); coding-DNA position 69, G replaced by C.
Protein change: p.Gln23His; replaces glutamine 23 with histidine.
Molecular consequence: missense variant.
Genome position (GRCh38, 1-based): chr16:89,919,327, G>C. VCF-style: chr16-89919327-G-C. GRCh37 (hg19) VCF-style: chr16-89985735-G-C.
Other names: short protein forms Q23H.
Identifiers: ClinVar variation 3708953 (VCV003708953.2).

ClinVar aggregate classification (germline): Uncertain significance (1 of 4 stars; one submission).

Conditions:
Melanoma, cutaneous malignant, susceptibility to, 5. Also called: Cutaneous malignant melanoma 5. Identifiers: Orphanet 618, MedGen C2751295, MONDO:0013133, OMIM 613099.

gnomAD v4.1: 1 of 1,612,276 alleles (0.000062%); highest among the groups gnomAD compares: Non-Finnish European, 0.000085%; no homozygotes.

Submission:

Labcorp Genetics (formerly Invitae), Labcorp
Classification: Uncertain significance for Melanoma, cutaneous malignant, susceptibility to, 5. Last evaluated: 2024-02-16. Review status: criteria provided, single submitter. Criteria: Invitae Variant Classification Sherloc (09022015). Collection method: clinical testing. Allele origin: germline.
Comment: This sequence change replaces glutamine, which is neutral and polar, with histidine, which is basic and polar, at codon 23 of the MC1R protein (p.Gln23His). This variant is not present in population databases (gnomAD no frequency). This variant has not been reported in the literature in individuals affected with MC1R-related conditions. Advanced modeling of protein sequence and biophysical properties (such as structural, functional, and spatial information, amino acid conservation, physicochemical variation, residue mobility, and thermodynamic stability) performed at Invitae indicates that this missense variant is not expected to disrupt MC1R protein function with a negative predictive value of 95%. In summary, the available evidence is currently insufficient to determine the role of this variant in disease. Therefore, it has been classified as a Variant of Uncertain Significance.